The following is an entry in ClinVar:

NR_003051.3(RMRP):n.-24_-10dup15

Gene: RMRP (RNA component of mitochondrial RNA processing endoribonuclease; minus strand). Cytogenetic location: 9p13.3.
Variant type: Duplication.
Genome position: GRCh38 VCF-style: chr9-35658027-A-AGCTTCACAGAGTAGT. GRCh37 (hg19) VCF-style: chr9-35658024-A-AGCTTCACAGAGTAGT.
Identifiers: ClinVar variation 14211 (VCV000014211.16), dbSNP rs727502776, ClinGen allele CA257183.

ClinVar aggregate classification (germline): Likely pathogenic. Review status: reviewed by expert panel (3 of 4 stars). 8 submissions from 8 submitters: Likely pathogenic (1). 7 of the submissions do not count toward it. Last evaluated 2026-10-14.

Conditions:
Anauxetic dysplasia. Identifiers: Orphanet 93347, MedGen C1846796, MONDO:0011773.
CCDC107 & RMRP-related disorders.
Anauxetic dysplasia 1 (ANXD1). Also called: Anauxetic Dysplasia (AD). Identifiers: Orphanet 93347, MedGen C4551965, MONDO:0054560, OMIM 607095.
Metaphyseal chondrodysplasia, McKusick type (CHH). Also called: Cartilage-Hair Hypoplasia (CHH); Cartilage-hair hypoplasia. Identifiers: Orphanet 175, MedGen C0220748, MONDO:0009595, OMIM 250250.
Metaphyseal dysplasia without hypotrichosis. Also called: CARTILAGE-HAIR HYPOPLASIA VARIANT, SKELETAL MANIFESTATIONS ONLY; CARTILAGE-HAIR HYPOPLASIA-LIKE SKELETAL DYSPLASIA WITHOUT HYPOTRICHOSIS OR IMMUNODEFICIENCY; Metaphyseal Dysplasia without Hypotrichosis (MDWH). Identifiers: MedGen C1834821, MONDO:0009601, OMIM 250460.

Submissions (8):

ClinGen Severe Combined Immunodeficiency Variant Curation Expert Panel, ClinGen
Classification: Likely pathogenic for Metaphyseal chondrodysplasia, McKusick type. Last evaluated: 2026-10-14. Review status: reviewed by expert panel. Criteria: ClinGen SCID ACMG Specifications RMRP V1.3. Collection method: curation. Allele origin: germline. Inheritance: Autosomal recessive inheritance.
Comment: [Total 1pts, so PM3]. This variant inserts 15 nucleotides (which is >6nt) that increases the distance between the TATA box (spanning n.-32 to n.-24) and the transcription start site (n.4) [PM4_Moderate]. The Total GrpMax filtering allele frequency in gnomAD v4.1.0 is 0.0003257 which is greater than the PM2 threshold (<0.0000447) so PM2_Supporting, BS1, and BA1 are not met. Therefore, the n.-24_-10dup15 variant variant in RMRP gene is classified as likely pathogenic. [Evidences: PM3, PM1_Strong, PM4, PP4]

Labcorp Genetics (formerly Invitae), Labcorp
Classification: Pathogenic for Anauxetic dysplasia. Last evaluated: 2026-01-06. Review status: criteria provided, single submitter. Criteria: Invitae Variant Classification Sherloc (09022015). Collection method: clinical testing. Allele origin: germline. Not counted in ClinVar's aggregate classification.
Comment: This variant occurs in the RMRP gene, which encodes an RNA molecule that does not result in a protein product. This variant is present in population databases (rs727502776, gnomAD 0.03%). This variant has been observed in individual(s) with cartilage-hair hypoplasia-anauxetic dysplasia spectrum disorders (PMID: 11207361, 17015150, 25616543). In at least one individual the data is consistent with being in trans (on the opposite chromosome) from a pathogenic variant. This variant is also known as g.-25_-11dupACTACTCTGTGAAGC. Studies have shown that this variant alters RMRP gene expression (PMID: 11207361, 16254002). For these reasons, this variant has been classified as Pathogenic.

Natera, Inc.
Classification: Likely pathogenic for Cartilage-hair hypoplasia. Last evaluated: 2025-09-29. Review status: criteria provided, single submitter. Criteria: Natera Variant Classification Schema (03/2026). Collection method: clinical testing. Allele origin: germline. Not counted in ClinVar's aggregate classification.
Comment: The n.-24_-10dupACTACTCTGTGAAGC variant in RMRP is a duplication affecting the RMRP promoter region between the TATA box and the transcription initiation site. Other duplications and insertions just upstream of the transcription initiation site have been reported in individuals affected with cartilage-hair hypoplasia (PMID: 11207361, 17937437). This variant is rare in the general population with a frequency below the threshold expected for the associated phenotype(s). This variant has been observed in one or more individuals affected with the associated recessive disease, as either homozygous or compound heterozygous with a second variant (PMID: 16838329, 17015150, 25616543, 25663137, 35840850). Given the available evidence, this variant is classified as Likely Pathogenic.

Blueprint Genetics
Classification: Likely pathogenic for CCDC107 & RMRP-related disorders. Last evaluated: 2024-09-30. Review status: criteria provided, single submitter. Criteria: ACMG Guidelines, 2015. Collection method: clinical testing. Allele origin: germline. Affected: yes. Observed: 5 variant alleles. Not counted in ClinVar's aggregate classification.

Fulgent Genetics
Classification: Likely pathogenic for Metaphyseal chondrodysplasia, McKusick type; Metaphyseal dysplasia without hypotrichosis; Anauxetic dysplasia 1. Last evaluated: 2022-05-19. Review status: criteria provided, single submitter. Criteria: ACMG Guidelines, 2015. Collection method: clinical testing. Allele origin: unknown. Not counted in ClinVar's aggregate classification.

AiLife Diagnostics
Classification: Pathogenic. Last evaluated: 2022-01-17. Review status: criteria provided, single submitter. Criteria: ACMG Guidelines, 2015. Collection method: clinical testing. Allele origin: germline. Affected: yes. Observed: 1 variant allele. Not counted in ClinVar's aggregate classification.

Counsyl
Classification: Likely pathogenic for Metaphyseal chondrodysplasia, McKusick type. Last evaluated: 2017-02-09. Review status: no assertion criteria provided. Collection method: clinical testing. Allele origin: unknown. Not counted in ClinVar's aggregate classification.

OMIM
Classification: Pathogenic for CARTILAGE-HAIR HYPOPLASIA. Last evaluated: 2001-01-26. Review status: no assertion criteria provided. Collection method: literature only. Allele origin: germline. Not counted in ClinVar's aggregate classification.

Literature cited by the submitters: PubMed 11207361 (cited by 5 submitters); PubMed 17015150 (cited by 4 submitters); PubMed 25616543 (cited by 4 submitters); PubMed 16254002 (cited by Labcorp Genetics (formerly Invitae), Labcorp and Counsyl); PubMed 17937437 (cited by Natera, Inc. and Counsyl); PubMed 16838329 (cited by Natera, Inc. and Counsyl); PubMed 25663137 (cited by Natera, Inc. and Counsyl); PubMed 35840850 (cited by Natera, Inc.); PubMed 14608646 (cited by Counsyl); PubMed 18804272 (cited by Counsyl).